The following is an entry in ClinVar:

ClinVar aggregate classification (germline): Uncertain significance (1 of 4 stars; one submission).

Submission:

CeGaT Center for Human Genetics Tuebingen
Classification: Uncertain significance. Last evaluated: 2024-09-01. Review status: criteria provided, single submitter. Criteria: CeGaT Center For Human Genetics Tuebingen Variant Classification Criteria Version 2. Collection method: clinical testing. Allele origin: germline. Affected: yes. Observed: 2 variant alleles.
Comment: STX1B: PM2, PM5:Supporting, PP2

NM_052874.5(STX1B):c.824G>A (p.Gly275Glu)

Gene: STX1B (syntaxin 1B; minus strand). Cytogenetic location: 16p11.2.
Variant type: single nucleotide variant.
Coding change: c.824G>A on transcript NM_052874.5 (MANE Select); coding-DNA position 824, G replaced by A.
Protein change: p.Gly275Glu; replaces glycine 275 with glutamic acid.
Molecular consequence: missense variant.
Genome position (GRCh38, 1-based): chr16:30,992,864, C>T on the plus strand (G>A on the coding strand, the complement: STX1B is on the minus strand). VCF-style: chr16-30992864-C-T. GRCh37 (hg19) VCF-style: chr16-31004185-C-T.
Other names: short protein forms G275E.
Identifiers: ClinVar variation 3342030 (VCV003342030.16).